The following is an entry in ClinVar:

NM_000051.4(ATM):c.185+1del

Gene: ATM (ATM serine/threonine kinase; plus strand). Cytogenetic location: 11q22.3.
Variant type: Deletion.
Coding change: c.185+1del on transcript NM_000051.4 (MANE Select); the canonical splice donor site of the intron after coding-DNA position 185, one base deleted (G; older notation c.185+1delG).
Molecular consequence: splice donor variant.
Genome position (GRCh38, 1-based): chr11:108,227,889, G deleted; the last of 2 consecutive G bases (chr11:108,227,888-108,227,889); deleting either gives the same sequence. VCF-style (leftmost placement, unchanged base first): chr11-108227887-AG-A. GRCh37 (hg19) VCF-style: chr11-108098614-AG-A.
Other names: c.185+1delG (NM_000051.3); c.185+1del (NM_001351834.2, NM_001351835.2, NM_001351836.2).
Identifiers: ClinVar variation 844816 (VCV000844816.11), dbSNP rs2078826294, ClinGen allele CA916080438.

ClinVar aggregate classification (germline): Likely pathogenic. Review status: criteria provided, multiple submitters, no conflicts (2 of 4 stars). 3 submissions from 3 submitters: Likely pathogenic (3). Last evaluated 2026-02-06.

Conditions:
Familial cancer of breast. Also called: Hereditary breast cancer; BREAST CANCER, FAMILIAL; hereditary breast carcinoma. Identifiers: Orphanet 227535, MedGen C0346153, MONDO:0016419, OMIM 114480. Disease mechanism: loss of function.
Hereditary cancer-predisposing syndrome. Also called: Hereditary Cancer Syndrome; Tumor predisposition; Neoplastic Syndromes, Hereditary; Hereditary neoplastic syndrome. Identifiers: Orphanet 140162, MedGen C0027672, MeSH D009386, MONDO:0015356.
Ataxia-telangiectasia syndrome (AT). Also called: LOUIS-BAR SYNDROME; Ataxia telangiectasia (A-T); AT, COMPLEMENTATION GROUP C; Ataxia-telangiectasia, complementation group E; Cerebello-oculocutaneous telangiectasia; Immunodeficiency with ataxia telangiectasia. Identifiers: Orphanet 100, MedGen C0004135, MONDO:0008840, OMIM 208900.

Submissions (3):

Ambry Genetics
Classification: Likely pathogenic for Hereditary cancer-predisposing syndrome. Last evaluated: 2026-02-06. Review status: criteria provided, single submitter. Criteria: Ambry Variant Classification Scheme 2023. Collection method: clinical testing. Allele origin: germline.
Comment: The c.185+1delG intronic variant, located in intron 2 of the ATM gene, results from a deletion of one nucleotide within intron 2 of the ATM gene. This variant is considered to be rare based on population cohorts in the Genome Aggregation Database (gnomAD). This nucleotide position is highly conserved in available vertebrate species. In silico splice site analysis predicts that this alteration will weaken the native splice donor site. Alterations that disrupt the canonical splice site are expected to cause aberrant splicing, resulting in an abnormal protein or a transcript that is subject to nonsense-mediated mRNA decay. As such, this alteration is classified as likely pathogenic.

Myriad Genetics, Inc.
Classification: Likely pathogenic for Familial cancer of breast. Last evaluated: 2023-12-06. Review status: criteria provided, single submitter. Criteria: Myriad Autosomal Dominant, Autosomal Recessive and X-Linked Classification Criteria (2023). Collection method: clinical testing. Allele origin: unknown.
Comment: This variant is considered likely pathogenic. This variant occurs within a consensus splice junction and is predicted to result in abnormal mRNA splicing of either an out-of-frame exon or an in-frame exon necessary for protein stability and/or normal function.

Labcorp Genetics (formerly Invitae), Labcorp
Classification: Likely pathogenic for Ataxia-telangiectasia syndrome. Last evaluated: 2020-03-11. Review status: criteria provided, single submitter. Criteria: Invitae Variant Classification Sherloc (09022015). Collection method: clinical testing. Allele origin: germline.
Comment: Donor and acceptor splice site variants typically lead to a loss of protein function (PMID: 16199547), and loss-of-function variants in ATM are known to be pathogenic (PMID: 23807571, 25614872). In summary, the currently available evidence indicates that the variant is pathogenic, but additional data are needed to prove that conclusively. Therefore, this variant has been classified as Likely Pathogenic. This variant has not been reported in the literature in individuals with ATM-related conditions. Algorithms developed to predict the effect of sequence changes on RNA splicing suggest that this variant may disrupt the consensus splice site, but this prediction has not been confirmed by published transcriptional studies. This variant is not present in population databases (ExAC no frequency). This sequence change affects a donor splice site in intron 3 of the ATM gene. It is expected to disrupt RNA splicing and likely results in an absent or disrupted protein product.

Literature cited by the submitters: PubMed 16199547 (cited by Labcorp Genetics (formerly Invitae), Labcorp); PubMed 23807571 (cited by Labcorp Genetics (formerly Invitae), Labcorp); PubMed 25614872 (cited by Labcorp Genetics (formerly Invitae), Labcorp).